The following is an entry in ClinVar:

ClinVar aggregate classification (germline): Pathogenic (1 of 4 stars; one submission).

Conditions:
Neurofibromatosis, type 1 (NF1). Also called: NEUROFIBROMATOSIS, TYPE I, SOMATIC; VON RECKLINGHAUSEN DISEASE; Peripheral type neurofibromatosis; Neurofibromatosis, type I. Identifiers: Orphanet 636, MedGen C0027831, MONDO:0018975, OMIM 162200. Disease mechanism: loss of function.

Submission:

Labcorp Genetics (formerly Invitae), Labcorp
Classification: Pathogenic for Neurofibromatosis, type 1. Last evaluated: 2025-04-30. Review status: criteria provided, single submitter. Criteria: Invitae Variant Classification Sherloc (09022015). Collection method: clinical testing. Allele origin: germline.
Comment: This sequence change creates a premature translational stop signal (p.Thr1677Serfs*10) in the NF1 gene. It is expected to result in an absent or disrupted protein product. Loss-of-function variants in NF1 are known to be pathogenic (PMID: 10712197, 23913538). This variant is not present in population databases (gnomAD no frequency). This variant has not been reported in the literature in individuals affected with NF1-related conditions. For these reasons, this variant has been classified as Pathogenic.

Literature cited by the submitters: PubMed 10712197; PubMed 23913538.

NM_001042492.3(NF1):c.5092_5098del (p.Thr1698fs)

Gene: NF1 (neurofibromin 1; plus strand). Cytogenetic location: 17q11.2.
Variant type: Deletion.
Coding change: c.5092_5098del on transcript NM_001042492.3 (MANE Select); coding-DNA positions 5092 to 5098, 7 bases deleted (ACTGGCC; older notation c.5092_5098delACTGGCC).
Protein change: p.Thr1698fs; shifts the reading frame from threonine 1698.
Molecular consequence: frameshift variant.
Genome position (GRCh38, 1-based): chr17:31,326,076-31,326,082, ACTGGCC deleted. VCF-style (leftmost placement, unchanged base first): chr17-31326075-GACTGGCC-G. GRCh37 (hg19) VCF-style: chr17-29653093-GACTGGCC-G.
Other names: c.5029_5035del, p.Thr1677fs (NM_000267.4); short protein forms T1677fs, T1698fs.
Identifiers: ClinVar variation 4718636 (VCV004718636.1).